The following is an entry in ClinVar:

NM_144997.7(FLCN):c.871+98C>T

Gene: FLCN (folliculin; minus strand). Cytogenetic location: 17p11.2.
Variant type: single nucleotide variant.
Coding change: c.871+98C>T on transcript NM_144997.7 (MANE Select); 98 bases into the intron after coding-DNA position 871, C replaced by T.
Molecular consequence: intron variant. On other transcripts: synonymous variant (1).
Genome position (GRCh38, 1-based): chr17:17,221,439, G>A on the plus strand (C>T on the coding strand, the complement: FLCN is on the minus strand). VCF-style: chr17-17221439-G-A. GRCh37 (hg19) VCF-style: chr17-17124753-G-A.
Other names: c.969C>T (NM_144606.5); c.969C>T, p.Asn323= (NM_144606.7); c.871+98C>T (NM_001353231.2, NM_001353230.2); c.925+98C>T (NM_001353229.2).
Identifiers: ClinVar variation 1174834 (VCV001174834.23), dbSNP rs144832463, ClinGen allele CA8416247.

ClinVar aggregate classification (germline): Likely benign. Review status: criteria provided, multiple submitters, no conflicts (2 of 4 stars). 7 submissions from 7 submitters: Likely benign (3). 4 of the submissions do not count toward it. Last evaluated 2026-07-01.

Conditions:
FLCN-related disorder. Also called: FLCN-related condition.
Hereditary cancer-predisposing syndrome. Also called: Hereditary neoplastic syndrome; Tumor predisposition; Neoplastic Syndromes, Hereditary; Hereditary Cancer Syndrome. Identifiers: Orphanet 140162, MedGen C0027672, MeSH D009386, MONDO:0015356.

Allele frequency attached by ClinVar (database versions not stated): gnomAD 0.00057 and 0.00061; TOPMed 0.00057; ESP Exome Variant Server 0.00069; gnomAD exomes 0.00075 and 0.00100; ExAC 0.00097.

Submissions (7):

Ambry Genetics
Classification: Likely benign for Hereditary cancer-predisposing syndrome. Last evaluated: 2026-07-01. Review status: criteria provided, single submitter. Criteria: Ambry Variant Classification Scheme 2023. Collection method: clinical testing. Allele origin: germline.

CeGaT Center for Human Genetics Tuebingen
Classification: Likely benign. Last evaluated: 2026-07-01. Review status: criteria provided, single submitter. Criteria: CeGaT Center For Human Genetics Tuebingen Variant Classification Criteria Version 2. Collection method: clinical testing. Allele origin: germline. Affected: yes. Observed: 4 variant alleles.
Comment: FLCN: BP4, BP7, BS1

Blueprint Genetics
Classification: Likely benign. Last evaluated: 2024-11-01. Review status: criteria provided, single submitter. Criteria: ACMG Guidelines, 2015. Collection method: clinical testing. Allele origin: germline.

PreventionGenetics, part of Exact Sciences
Classification: Likely benign for FLCN-related condition. Last evaluated: 2022-02-21. Review status: no assertion criteria provided. Collection method: clinical testing. Allele origin: germline. Not counted in ClinVar's aggregate classification.
Comment: This variant is classified as likely benign based on ACMG/AMP sequence variant interpretation guidelines (Richards et al. 2015 PMID: 25741868, with internal and published modifications).

Clinical Genetics DNA and cytogenetics Diagnostics Lab, Erasmus MC, Erasmus Medical Center
Classification: Likely benign. Review status: no assertion criteria provided. Collection method: clinical testing. Allele origin: germline. Affected: yes. Study: VKGL Data-share Consensus. Not counted in ClinVar's aggregate classification.

Diagnostic Laboratory, Department of Genetics, University Medical Center Groningen
Classification: Likely benign. Review status: no assertion criteria provided. Collection method: clinical testing. Allele origin: germline. Affected: yes. Study: VKGL Data-share Consensus. Not counted in ClinVar's aggregate classification.

Joint Genome Diagnostic Labs from Nijmegen and Maastricht, Radboudumc and MUMC+
Classification: Likely benign. Review status: no assertion criteria provided. Collection method: clinical testing. Allele origin: germline. Affected: yes. Study: VKGL Data-share Consensus. Not counted in ClinVar's aggregate classification.